The following is an entry in ClinVar:

NM_004415.4(DSP):c.4994G>A (p.Arg1665Lys)

Gene: DSP (desmoplakin; plus strand). Cytogenetic location: 6p24.3.
Variant type: single nucleotide variant.
Coding change: c.4994G>A on transcript NM_004415.4 (MANE Select); coding-DNA position 4994, G replaced by A.
Protein change: p.Arg1665Lys; replaces arginine 1665 with lysine.
Molecular consequence: missense variant. On other transcripts: intron variant (2).
Genome position (GRCh38, 1-based): chr6:7,581,184, G>A. VCF-style: chr6-7581184-G-A. GRCh37 (hg19) VCF-style: chr6-7581417-G-A.
Other names: c.4050+944G>A (NM_001319034.2); c.3582+1412G>A (NM_001008844.3); short protein forms R1665K.
Identifiers: ClinVar variation 3754981 (VCV003754981.2).

ClinVar aggregate classification (germline): Uncertain significance (1 of 4 stars; one submission).

Conditions:
Arrhythmogenic cardiomyopathy with wooly hair and keratoderma. Also called: Dilated cardiomyopathy with woolly hair and keratoderma; PALMOPLANTAR KERATODERMA WITH LEFT VENTRICULAR CARDIOMYOPATHY AND WOOLLY HAIR; Carvajal syndrome; Arrhythmogenic cardiomyopathy with woolly hair and keratoderma. Identifiers: Orphanet 65282, MedGen C1854063, MONDO:0011581, OMIM 605676.
Arrhythmogenic right ventricular dysplasia 8 (ARVD8). Also called: Arrhythmogenic Right Ventricular Dysplasia/Cardiomyopathy 8; ARRHYTHMOGENIC RIGHT VENTRICULAR DYSPLASIA, FAMILIAL, 8; ARRHYTHMOGENIC RIGHT VENTRICULAR CARDIOMYOPATHY 8. Identifiers: MedGen C1843896, MONDO:0011831, OMIM 607450.

gnomAD v4.1: 1 of 1,614,200 alleles (0.000062%); highest among the groups gnomAD compares: South Asian, 0.0011%; no homozygotes.

Submission:

Labcorp Genetics (formerly Invitae), Labcorp
Classification: Uncertain significance for Arrhythmogenic cardiomyopathy with wooly hair and keratoderma; Arrhythmogenic right ventricular dysplasia 8. Last evaluated: 2024-02-27. Review status: criteria provided, single submitter. Criteria: Invitae Variant Classification Sherloc (09022015). Collection method: clinical testing. Allele origin: germline.
Comment: This sequence change replaces arginine, which is basic and polar, with lysine, which is basic and polar, at codon 1665 of the DSP protein (p.Arg1665Lys). This variant is not present in population databases (gnomAD no frequency). This variant has not been reported in the literature in individuals affected with DSP-related conditions. Algorithms developed to predict the effect of missense changes on protein structure and function output the following: SIFT: "Not Available"; PolyPhen-2: "Benign"; Align-GVGD: "Not Available". The lysine amino acid residue is found in multiple mammalian species, which suggests that this missense change does not adversely affect protein function. In summary, the available evidence is currently insufficient to determine the role of this variant in disease. Therefore, it has been classified as a Variant of Uncertain Significance.